The following is an entry in ClinVar:

NM_024675.4(PALB2):c.3546A>G (p.Val1182=)

Gene: PALB2 (partner and localizer of BRCA2; minus strand). Cytogenetic location: 16p12.2.
Variant type: single nucleotide variant.
Coding change: c.3546A>G on transcript NM_024675.4 (MANE Select); coding-DNA position 3546, A replaced by G.
Protein change: p.Val1182=; no amino-acid change (valine 1182 retained).
Molecular consequence: synonymous variant.
Genome position (GRCh38, 1-based): chr16:23,603,474, T>C on the plus strand (A>G on the coding strand, the complement: PALB2 is on the minus strand). VCF-style: chr16-23603474-T-C. GRCh37 (hg19) VCF-style: chr16-23614795-T-C.
Identifiers: ClinVar variation 415978 (VCV000415978.17), dbSNP rs1060504704, ClinGen allele CA16615057.
Genomic context (GRCh38, chr16:23,603,474, plus strand): 5'-GAGGCCCAATATATCCAGAAAATTGTGTTTTCACTTTACCCTAACTTATGAATAGTGGTA[T>C]ACAAATATATTTCCATCTTTTTGTCCAGCCAGCAAATGAGAGTCTGTACCCGACCATTTC-3'
Protein context (NP_078951.2, residues 1172-1186): LAGQKDGNIF[Val1182=]YHYS

ClinVar aggregate classification (germline): Benign/Likely benign. Review status: criteria provided, multiple submitters, no conflicts (2 of 4 stars). 4 submissions from 4 submitters: Benign (1); Likely benign (3). Last evaluated 2025-01-22.

Conditions:
Familial cancer of breast. Also called: Hereditary breast cancer; BREAST CANCER, FAMILIAL; hereditary breast carcinoma. Identifiers: Orphanet 227535, MedGen C0346153, MONDO:0016419, OMIM 114480. Disease mechanism: loss of function.
Hereditary cancer-predisposing syndrome. Also called: Tumor predisposition; Neoplastic Syndromes, Hereditary; Hereditary neoplastic syndrome; Hereditary Cancer Syndrome. Identifiers: Orphanet 140162, MedGen C0027672, MeSH D009386, MONDO:0015356.

Submissions (4):

Myriad Genetics, Inc.
Classification: Benign for Familial cancer of breast. Last evaluated: 2025-01-22. Review status: criteria provided, single submitter. Criteria: Myriad Autosomal Dominant, Autosomal Recessive and X-Linked Classification Criteria (2023). Collection method: clinical testing. Allele origin: unknown.
Comment: This variant is considered benign. This variant is a silent/synonymous amino acid change and it is not expected to impact splicing.

Ambry Genetics
Classification: Likely benign for Hereditary cancer-predisposing syndrome. Last evaluated: 2019-12-04. Review status: criteria provided, single submitter. Criteria: Ambry Variant Classification Scheme 2023. Collection method: clinical testing. Allele origin: germline.

Labcorp Genetics (formerly Invitae), Labcorp
Classification: Likely benign for Familial cancer of breast. Last evaluated: 2017-07-11. Review status: criteria provided, single submitter. Criteria: Invitae Variant Classification Sherloc (09022015). Collection method: clinical testing. Allele origin: germline.

Color Diagnostics, LLC DBA Color Health
Classification: Likely benign for Hereditary cancer-predisposing syndrome. Last evaluated: 2017-04-20. Review status: criteria provided, single submitter. Criteria: ACMG Guidelines, 2015. Collection method: clinical testing. Allele origin: germline.